The following is an entry in ClinVar:

ClinVar aggregate classification (germline): Pathogenic/Likely pathogenic. Review status: criteria provided, multiple submitters, no conflicts (2 of 4 stars). 3 submissions from 3 submitters: Pathogenic (2); Likely pathogenic (1). Last evaluated 2026-04-14.

Conditions:
Autosomal recessive distal spinal muscular atrophy 1. Also called: SEVERE INFANTILE AXONAL NEUROPATHY WITH RESPIRATORY FAILURE; SPINAL MUSCULAR ATROPHY, DIAPHRAGMATIC; Spinal muscular atrophy with respiratory distress 1; NEURONOPATHY, DISTAL HEREDITARY MOTOR, HARDING TYPE VI; NEUROPATHY, DISTAL HEREDITARY MOTOR, AUTOSOMAL RECESSIVE 1; HMN VI. Identifiers: Orphanet 98920, MedGen C1858517, MONDO:0011436, OMIM 604320.
Charcot-Marie-Tooth disease axonal type 2S. Also called: CHARCOT-MARIE-TOOTH NEUROPATHY, TYPE 2S; CHARCOT-MARIE-TOOTH DISEASE, AXONAL, AUTOSOMAL RECESSIVE, TYPE 2S. Identifiers: Orphanet 443073, MedGen C4015349, MONDO:0014511, OMIM 616155.
Inborn genetic diseases. Identifiers: MedGen C0950123, MeSH D030342.

Submissions (3):

GeneDx
Classification: Likely pathogenic. Last evaluated: 2026-04-14. Review status: criteria provided, single submitter. Criteria: GeneDx Variant Classification Process June 2021. Collection method: clinical testing. Allele origin: germline.
Comment: Reported with another variant in IGHMBP2 in a proband reported to have Charcot Marie Tooth and peripheral axonal degeneration, but detailed clinical information was not provided (PMID: 39243181); Frameshift variant predicted to result in protein truncation or nonsense mediated decay in a gene for which loss of function is a known mechanism of disease; Not observed at significant frequency in large population cohorts (gnomAD); This variant is associated with the following publications: (PMID: 39243181)

Labcorp Genetics (formerly Invitae), Labcorp
Classification: Pathogenic for Autosomal recessive distal spinal muscular atrophy 1; Charcot-Marie-Tooth disease axonal type 2S. Last evaluated: 2024-01-31. Review status: criteria provided, single submitter. Criteria: Invitae Variant Classification Sherloc (09022015). Collection method: clinical testing. Allele origin: germline.
Comment: This sequence change creates a premature translational stop signal (p.Pro810Leufs*21) in the IGHMBP2 gene. It is expected to result in an absent or disrupted protein product. Loss-of-function variants in IGHMBP2 are known to be pathogenic (PMID: 14681881, 25439726, 25568292). This variant is not present in population databases (gnomAD no frequency). This variant has not been reported in the literature in individuals affected with IGHMBP2-related conditions. ClinVar contains an entry for this variant (Variation ID: 835758). For these reasons, this variant has been classified as Pathogenic.

Ambry Genetics
Classification: Pathogenic for Inborn genetic diseases. Last evaluated: 2023-11-16. Review status: criteria provided, single submitter. Criteria: Ambry Variant Classification Scheme 2023. Collection method: clinical testing. Allele origin: germline.
Comment: The c.2429delC (p.P810Lfs*21) alteration, located in exon 13 (coding exon 13) of the IGHMBP2 gene, consists of a deletion of one nucleotide at position 2429, causing a translational frameshift with a predicted alternate stop codon after 21 amino acids. This alteration is expected to result in loss of function by premature protein truncation or nonsense-mediated mRNA decay. This variant was not reported in population-based cohorts in the Genome Aggregation Database (gnomAD). Based on the available evidence, this alteration is classified as pathogenic.

Literature cited by the submitters: PubMed 14681881 (cited by Labcorp Genetics (formerly Invitae), Labcorp); PubMed 25439726 (cited by Labcorp Genetics (formerly Invitae), Labcorp); PubMed 25568292 (cited by Labcorp Genetics (formerly Invitae), Labcorp).

NM_002180.3(IGHMBP2):c.2429del (p.Pro810fs)

Gene: IGHMBP2 (immunoglobulin mu DNA binding protein 2; plus strand). Cytogenetic location: 11q13.3.
Variant type: Deletion.
Coding change: c.2429del on transcript NM_002180.3 (MANE Select); coding-DNA position 2429, one base deleted (C; older notation c.2429delC).
Protein change: p.Pro810fs; shifts the reading frame from proline 810.
Molecular consequence: frameshift variant.
Genome position (GRCh38, 1-based): chr11:68,936,909, C deleted; the last of 5 consecutive C bases (chr11:68,936,905-68,936,909); deleting any one gives the same sequence. VCF-style (leftmost placement, unchanged base first): chr11-68936904-GC-G. GRCh37 (hg19) VCF-style: chr11-68704372-GC-G.
Other names: c.2429delC (NM_002180.2); short protein forms P810fs.
Identifiers: ClinVar variation 835758 (VCV000835758.11), dbSNP rs1189538200, ClinGen allele CA679587794.
Genomic context (GRCh38, chr11:68,936,904, plus strand): 5'-ACCCCGAGCAGCCCTGGGACCCCCAGCAGGGACCGGTGGCCCAGCCCCTCTCCAGCCAGT[GC>G]CCCCTACCCCTGCGCAGACAGAGCAGCCTCCCAGGGAGCAGCGTGGCCCAGACCAGCCTG-3'